The following is an entry in ClinVar:

ClinVar aggregate classification (germline): Uncertain significance. Review status: criteria provided, multiple submitters, no conflicts (2 of 4 stars). 4 submissions from 4 submitters: Uncertain significance (4). Last evaluated 2022-11-17.

Conditions:
Inborn genetic diseases. Identifiers: MedGen C0950123, MeSH D030342.

Allele frequency attached by ClinVar (database versions not stated): ExAC 0.00001; 1000 Genomes Project 30x 0.00016; gnomAD 0.00019; 1000 Genomes Project 0.00020; TOPMed 0.00050.
gnomAD v4.1: 44 of 1,582,910 alleles (0.0028%); highest among the groups gnomAD compares: Admixed American, 0.071%; 1 homozygote.

Submissions (4):

GeneDx
Classification: Uncertain significance. Last evaluated: 2022-11-17. Review status: criteria provided, single submitter. Criteria: GeneDx Variant Classification Process June 2021. Collection method: clinical testing. Allele origin: germline. Affected: yes.
Comment: In silico analysis supports that this missense variant does not alter protein structure/function; Has not been previously published as pathogenic or benign to our knowledge

Labcorp Genetics (formerly Invitae), Labcorp
Classification: Uncertain significance. Last evaluated: 2022-10-25. Review status: criteria provided, single submitter. Criteria: Invitae Variant Classification Sherloc (09022015). Collection method: clinical testing. Allele origin: germline.
Comment: This sequence change replaces isoleucine, which is neutral and non-polar, with valine, which is neutral and non-polar, at codon 370 of the DMXL2 protein (p.Ile370Val). This variant is present in population databases (rs185394436, gnomAD 0.01%). This variant has not been reported in the literature in individuals affected with DMXL2-related conditions. Algorithms developed to predict the effect of missense changes on protein structure and function are either unavailable or do not agree on the potential impact of this missense change (SIFT: "Tolerated"; PolyPhen-2: "Probably Damaging"; Align-GVGD: "Class C0"). In summary, the available evidence is currently insufficient to determine the role of this variant in disease. Therefore, it has been classified as a Variant of Uncertain Significance.

Blueprint Genetics
Classification: Uncertain significance. Last evaluated: 2022-10-01. Review status: criteria provided, single submitter. Criteria: ACMG Guidelines, 2015. Collection method: clinical testing. Allele origin: germline.

Ambry Genetics
Classification: Uncertain significance for Inborn genetic diseases. Last evaluated: 2022-08-01. Review status: criteria provided, single submitter. Criteria: Ambry Variant Classification Scheme 2023. Collection method: clinical testing. Allele origin: germline.

NM_001378457.1(DMXL2):c.1108A>G (p.Ile370Val)

Gene: DMXL2 (Dmx like 2; minus strand). Cytogenetic location: 15q21.2.
Variant type: single nucleotide variant.
Coding change: c.1108A>G on transcript NM_001378457.1 (MANE Select); coding-DNA position 1108, A replaced by G.
Protein change: p.Ile370Val; replaces isoleucine 370 with valine.
Molecular consequence: missense variant. On other transcripts: non-coding transcript variant (2), intron variant (1).
Genome position (GRCh38, 1-based): chr15:51,538,450, T>C on the plus strand (A>G on the coding strand, the complement: DMXL2 is on the minus strand). VCF-style: chr15-51538450-T-C. GRCh37 (hg19) VCF-style: chr15-51830647-T-C.
Other names: c.1108A>G (NM_001174116.1); c.1108A>G, p.Ile370Val (NM_001174116.3, NM_001174117.3, NM_001378458.1 and 6 more transcripts); c.1106-691A>G (NM_001378464.1); short protein forms I370V.
Identifiers: ClinVar variation 2154195 (VCV002154195.4), dbSNP rs185394436, ClinGen allele CA7562653.